The following is an entry in ClinVar:

NM_178170.3(NEK8):c.2068G>A (p.Val690Ile)

Gene: NEK8 (NIMA related kinase 8; plus strand). Cytogenetic location: 17q11.2.
Variant type: single nucleotide variant.
Coding change: c.2068G>A on transcript NM_178170.3 (MANE Select); coding-DNA position 2068, G replaced by A.
Protein change: p.Val690Ile; replaces valine 690 with isoleucine.
Molecular consequence: missense variant.
Genome position (GRCh38, 1-based): chr17:28,741,976, G>A. VCF-style: chr17-28741976-G-A. GRCh37 (hg19) VCF-style: chr17-27068994-G-A.
Other names: short protein forms V690I.
Identifiers: ClinVar variation 889767 (VCV000889767.13), dbSNP rs118111521, ClinGen allele CA8467655.

ClinVar aggregate classification (germline): Uncertain significance. Review status: criteria provided, multiple submitters, no conflicts (2 of 4 stars). 5 submissions from 5 submitters: Uncertain significance (5). Last evaluated 2026-02-11.

Conditions:
Nephronophthisis 9 (NPHP9). Identifiers: Orphanet 655, MedGen C3151188, MONDO:0013444, OMIM 613824.
NEK8-related disorder. Also called: NEK8-related condition.
Inborn genetic diseases. Identifiers: MedGen C0950123, MeSH D030342.
Renal-hepatic-pancreatic dysplasia 2 (RHPD2). Identifiers: MedGen C3809434, MONDO:0014174, OMIM 615415.

Allele frequency attached by ClinVar (database versions not stated): ExAC 0.00003; TOPMed 0.00006; ESP Exome Variant Server 0.00008; 1000 Genomes Project 0.00020; 1000 Genomes Project 30x 0.00031.
gnomAD v4.1: 235 of 1,614,028 alleles (0.015%); highest among the groups gnomAD compares: Non-Finnish European, 0.019%; no homozygotes.

Submissions (5):

PreventionGenetics, part of Exact Sciences
Classification: Uncertain significance for NEK8-related condition. Last evaluated: 2026-02-11. Review status: criteria provided, single submitter. Criteria: ACMG Guidelines, 2015. Collection method: clinical testing. Allele origin: germline.
Comment: The NEK8 c.2068G>A variant is predicted to result in the amino acid substitution p.Val690Ile. To our knowledge, this variant has not been reported in the literature. This variant is reported in 0.0093% of alleles in individuals of European (Non-Finnish) descent in gnomAD. At this time, the clinical significance of this variant is uncertain due to the absence of conclusive functional and genetic evidence.

Labcorp Genetics (formerly Invitae), Labcorp
Classification: Uncertain significance for Nephronophthisis 9. Last evaluated: 2024-10-22. Review status: criteria provided, single submitter. Criteria: Invitae Variant Classification Sherloc (09022015). Collection method: clinical testing. Allele origin: germline.
Comment: This sequence change replaces valine, which is neutral and non-polar, with isoleucine, which is neutral and non-polar, at codon 690 of the NEK8 protein (p.Val690Ile). This variant is present in population databases (rs118111521, gnomAD 0.01%). This variant has not been reported in the literature in individuals affected with NEK8-related conditions. ClinVar contains an entry for this variant (Variation ID: 889767). An algorithm developed to predict the effect of missense changes on protein structure and function outputs the following: PolyPhen-2: "Benign". The isoleucine amino acid residue is found in multiple mammalian species, which suggests that this missense change does not adversely affect protein function. In summary, the available evidence is currently insufficient to determine the role of this variant in disease. Therefore, it has been classified as a Variant of Uncertain Significance.

Ambry Genetics
Classification: Uncertain significance for Inborn genetic diseases. Last evaluated: 2023-09-26. Review status: criteria provided, single submitter. Criteria: Ambry Variant Classification Scheme 2023. Collection method: clinical testing. Allele origin: germline.

Fulgent Genetics
Classification: Uncertain significance for Nephronophthisis 9; Renal-hepatic-pancreatic dysplasia 2. Last evaluated: 2022-04-19. Review status: criteria provided, single submitter. Criteria: ACMG Guidelines, 2015. Collection method: clinical testing. Allele origin: unknown.

Illumina Laboratory Services, Illumina
Classification: Uncertain significance for Nephronophthisis 9. Last evaluated: 2018-01-13. Review status: criteria provided, single submitter. Criteria: ICSL Variant Classification Criteria 13 December 2019. Collection method: clinical testing. Allele origin: germline.